The following is an entry in ClinVar:

NM_033305.3(VPS13A):c.4589C>T (p.Ala1530Val)

Gene: VPS13A (vacuolar protein sorting 13 homolog A; plus strand). Cytogenetic location: 9q21.2.
Variant type: single nucleotide variant.
Coding change: c.4589C>T on transcript NM_033305.3 (MANE Select); coding-DNA position 4589, C replaced by T.
Protein change: p.Ala1530Val; replaces alanine 1530 with valine.
Molecular consequence: missense variant.
Genome position (GRCh38, 1-based): chr9:77,315,429, C>T. VCF-style: chr9-77315429-C-T. GRCh37 (hg19) VCF-style: chr9-79930345-C-T.
Other names: c.4472C>T, p.Ala1491Val (NM_001018037.2); c.4589C>T, p.Ala1530Val (NM_001018038.3, NM_015186.4); short protein forms A1491V, A1530V.
Identifiers: ClinVar variation 3623424 (VCV003623424.2).

ClinVar aggregate classification (germline): Uncertain significance (1 of 4 stars; one submission).

Submission:

Labcorp Genetics (formerly Invitae), Labcorp
Classification: Uncertain significance. Last evaluated: 2024-02-23. Review status: criteria provided, single submitter. Criteria: Invitae Variant Classification Sherloc (09022015). Collection method: clinical testing. Allele origin: germline.
Comment: This sequence change replaces alanine, which is neutral and non-polar, with valine, which is neutral and non-polar, at codon 1530 of the VPS13A protein (p.Ala1530Val). This variant is not present in population databases (gnomAD no frequency). This variant has not been reported in the literature in individuals affected with VPS13A-related conditions. Advanced modeling of protein sequence and biophysical properties (such as structural, functional, and spatial information, amino acid conservation, physicochemical variation, residue mobility, and thermodynamic stability) performed at Invitae indicates that this missense variant is not expected to disrupt VPS13A protein function with a negative predictive value of 80%. In summary, the available evidence is currently insufficient to determine the role of this variant in disease. Therefore, it has been classified as a Variant of Uncertain Significance.